The following is an entry in ClinVar:

NM_021913.5(AXL):c.1804G>A (p.Gly602Ser)

Gene: AXL (AXL receptor tyrosine kinase; plus strand). Cytogenetic location: 19q13.2.
Variant type: single nucleotide variant.
Coding change: c.1804G>A on transcript NM_021913.5 (MANE Select); coding-DNA position 1804, G replaced by A.
Protein change: p.Gly602Ser; replaces glycine 602 with serine.
Molecular consequence: missense variant.
Genome position (GRCh38, 1-based): chr19:41,252,443, G>A. VCF-style: chr19-41252443-G-A. GRCh37 (hg19) VCF-style: chr19-41758348-G-A.
Other names: c.1000G>A, p.Gly334Ser (NM_001278599.2); c.1777G>A, p.Gly593Ser (NM_001699.6); short protein forms G334S, G593S, G602S.
Identifiers: ClinVar variation 2190293 (VCV002190293.5), dbSNP rs762510681, ClinGen allele CA9458453.

ClinVar aggregate classification (germline): Uncertain significance (1 of 4 stars; one submission).

Allele frequency attached by ClinVar (database versions not stated): TOPMed 0.00001; gnomAD exomes 0.00005; ExAC 0.00007.
gnomAD v4.1: 76 of 1,613,782 alleles (0.0047%); highest among the groups gnomAD compares: South Asian, 0.013%; no homozygotes.

Submissions (4):

Labcorp Genetics (formerly Invitae), Labcorp
Classification: Uncertain significance. Last evaluated: 2024-12-02. Review status: criteria provided, single submitter. Criteria: Invitae Variant Classification Sherloc (09022015). Collection method: clinical testing. Allele origin: germline.
Comment: This sequence change replaces glycine, which is neutral and non-polar, with serine, which is neutral and polar, at codon 602 of the AXL protein (p.Gly602Ser). This variant also falls at the last nucleotide of exon 15, which is part of the consensus splice site for this exon. This variant is present in population databases (rs762510681, gnomAD 0.02%). This variant has not been reported in the literature in individuals affected with AXL-related conditions. ClinVar contains an entry for this variant (Variation ID: 2190293). An algorithm developed to predict the effect of missense changes on protein structure and function (PolyPhen-2) suggests that this variant is likely to be disruptive. Variants that disrupt the consensus splice site are a relatively common cause of aberrant splicing (PMID: 17576681, 9536098). Algorithms developed to predict the effect of sequence changes on RNA splicing suggest that this variant may disrupt the consensus splice site. In summary, the available evidence is currently insufficient to determine the role of this variant in disease. Therefore, it has been classified as a Variant of Uncertain Significance.

Dr. Peter K. Rogan Lab, Western University
No classification provided (evidence only). Condition: Melanoma. Review status: no classification provided. Collection method: in vitro. Allele origin: not applicable. Functional consequence: retained intron. Not counted in ClinVar's aggregate classification.

Dr. Peter K. Rogan Lab, Western University
No classification provided (evidence only). Condition: Familial cancer of breast. Review status: no classification provided. Collection method: in vitro. Allele origin: not applicable. Functional consequence: retained intron. Not counted in ClinVar's aggregate classification.

Dr. Peter K. Rogan Lab, Western University
No classification provided (evidence only). Condition: Thyroid cancer, nonmedullary, 1. Review status: no classification provided. Collection method: in vitro. Allele origin: not applicable. Functional consequence: retained intron. Not counted in ClinVar's aggregate classification.

Literature cited by the submitters: PubMed 17576681 (cited by Labcorp Genetics (formerly Invitae), Labcorp); PubMed 9536098 (cited by Labcorp Genetics (formerly Invitae), Labcorp).